The following is an entry in ClinVar:

ClinVar aggregate classification (germline): Uncertain significance. Review status: criteria provided, multiple submitters, no conflicts (2 of 4 stars). 2 submissions from 2 submitters: Uncertain significance (2). Last evaluated 2023-10-02.

Conditions:
Autosomal recessive limb-girdle muscular dystrophy type 2E (LGMDR4). Also called: MUSCULAR DYSTROPHY, LIMB-GIRDLE, AUTOSOMAL RECESSIVE 4. Identifiers: Orphanet 119, MedGen C1858593, MONDO:0011423, OMIM 604286. Disease mechanism: Affects gamma-sarcoglycan and also disrupts the integrity of the entire sarcoglycan complex..

Allele frequency attached by ClinVar (database versions not stated): ExAC 0.00001; gnomAD exomes 0.00001; gnomAD 0.00003 and 0.00004; TOPMed 0.00005; ESP Exome Variant Server 0.00015.
gnomAD v4.1: 13 of 1,613,334 alleles (0.00081%); highest among the groups gnomAD compares: African/African-American, 0.0067%; no homozygotes.

Submissions (2):

Revvity Omics, Revvity
Classification: Uncertain significance for Autosomal recessive limb-girdle muscular dystrophy type 2E. Last evaluated: 2023-10-02. Review status: criteria provided, single submitter. Criteria: ACMG Guidelines, 2015. Collection method: clinical testing. Allele origin: germline.

Labcorp Genetics (formerly Invitae), Labcorp
Classification: Uncertain significance for Autosomal recessive limb-girdle muscular dystrophy type 2E. Last evaluated: 2022-07-15. Review status: criteria provided, single submitter. Criteria: Invitae Variant Classification Sherloc (09022015). Collection method: clinical testing. Allele origin: germline.
Comment: This sequence change replaces proline, which is neutral and non-polar, with leucine, which is neutral and non-polar, at codon 46 of the SGCB protein (p.Pro46Leu). This variant is present in population databases (rs148525453, gnomAD 0.01%). This variant has not been reported in the literature in individuals affected with SGCB-related conditions. ClinVar contains an entry for this variant (Variation ID: 1427284). Algorithms developed to predict the effect of missense changes on protein structure and function are either unavailable or do not agree on the potential impact of this missense change (SIFT: "Deleterious"; PolyPhen-2: "Probably Damaging"; Align-GVGD: "Class C15"). In summary, the available evidence is currently insufficient to determine the role of this variant in disease. Therefore, it has been classified as a Variant of Uncertain Significance.

NM_000232.5(SGCB):c.137C>T (p.Pro46Leu)

Gene: SGCB (sarcoglycan beta; minus strand). Cytogenetic location: 4q12.
Variant type: single nucleotide variant.
Coding change: c.137C>T on transcript NM_000232.5 (MANE Select); coding-DNA position 137, C replaced by T.
Protein change: p.Pro46Leu; replaces proline 46 with leucine.
Molecular consequence: missense variant.
Genome position (GRCh38, 1-based): chr4:52,033,537, G>A on the plus strand (C>T on the coding strand, the complement: SGCB is on the minus strand). VCF-style: chr4-52033537-G-A. GRCh37 (hg19) VCF-style: chr4-52899703-G-A.
Other names: c.137C>T (NM_000232.4); short protein forms P46L.
Identifiers: ClinVar variation 1427284 (VCV001427284.5), dbSNP rs148525453, ClinGen allele CA2918501.
Genomic context (GRCh38, chr4:52,033,537, plus strand): 5'-ATGGCTAAATTGCCCTTTCTTCCTCTCAACCCTGTTTTGTGGAGACGATCTTCATCAATC[G>A]GAATGTATCCAGCTTTAAAGTTACTGTTGTGCTCTTTATTGACACTCCTTCTCTCAACAG-3'
Protein context (NP_000223.1, residues 36-56): HNSNFKAGYI[Pro46Leu]IDEDRLHKTG